The following is an entry in ClinVar:

NC_012920.1(MT-CO1):m.6253T>C

Gene: MT-CO1 (mitochondrially encoded cytochrome c oxidase I; plus strand).
Variant type: single nucleotide variant.
Genome position: chrM-6253-T-C.
Identifiers: ClinVar variation 692631 (VCV000692631.1), dbSNP rs200165736, ClinGen allele CA337097351.

ClinVar aggregate classification (germline): Benign (1 of 4 stars; one submission).

Conditions:
Leigh syndrome (NULS). Also called: Leigh's necrotizing encephalopathy; Leigh's disease; Leigh Syndrome (mtDNA deletion); Leigh Disease; Subacute necrotizing encephalopathy; Necrotizing encephalopathy infantile subacute of Leigh. Identifiers: Orphanet 506, MedGen C2931891, MONDO:0009723, OMIM 256000.

Submission:

Wong Mito Lab, Molecular and Human Genetics, Baylor College of Medicine
Classification: Benign for Leigh syndrome. Last evaluated: 2019-10-17. Review status: criteria provided, single submitter. Criteria: Modified ACMG Guidelines (Unpublished). Collection method: clinical testing. Allele origin: germline.
Comment: The NC_012920.1:m.6253T>C (YP_003024028.1:p.Met117Thr) variant in MTCO1 gene is interpretated to be a Benign variant based on the modified ACMG guidelines (unpublished). This variant meets the following evidence codes: BA1